The following is an entry in ClinVar:

NM_000036.3(AMPD1):c.351A>C (p.Arg117Ser)

Gene: AMPD1 (adenosine monophosphate deaminase 1; minus strand). Cytogenetic location: 1p13.2.
Variant type: single nucleotide variant.
Coding change: c.351A>C on transcript NM_000036.3 (MANE Select); coding-DNA position 351, A replaced by C.
Protein change: p.Arg117Ser; replaces arginine 117 with serine.
Molecular consequence: missense variant.
Genome position (GRCh38, 1-based): chr1:114,686,775, T>G on the plus strand (A>C on the coding strand, the complement: AMPD1 is on the minus strand). VCF-style: chr1-114686775-T-G. GRCh37 (hg19) VCF-style: chr1-115229396-T-G.
Other names: c.339A>C, p.Arg113Ser (NM_001172626.2); short protein forms R113S, R117S.
Identifiers: ClinVar variation 4985700 (VCV004985700.1).
Genomic context (GRCh38, chr1:114,686,775, plus strand): 5'-GCTAAGTCTGAGTGGCAAGGACCAACTCACCCCAGAGGCATAGTCACCAGTAATCTGCAC[T>G]CTCTGAAAATCAGGCACGGTCTGGTAGGTTGGAGATGAGGAAATGTATTCATCAATGTGG-3'
Protein context (NP_000027.3, residues 107-127): PTYQTVPDFQ[Arg117Ser]VQITGDYASG

ClinVar aggregate classification (germline): Uncertain significance (1 of 4 stars; one submission).

Conditions:
AMPD1-related disorder. Also called: AMPD1-related condition.

gnomAD v4.1: 3 of 1,614,016 alleles (0.00019%); highest among the groups gnomAD compares: Admixed American, 0.005%; no homozygotes.

Submission:

PreventionGenetics, part of Exact Sciences
Classification: Uncertain significance for AMPD1-related condition. Last evaluated: 2024-11-26. Review status: criteria provided, single submitter. Criteria: ACMG Guidelines, 2015. Collection method: clinical testing. Allele origin: germline.
Comment: The AMPD1 c.450A>C variant is predicted to result in the amino acid substitution p.Arg150Ser. To our knowledge, this variant has not been reported in the literature or in a large population database (gnomAD), indicating this variant is rare. At this time, the clinical significance of this variant is uncertain due to the absence of conclusive functional and genetic evidence.